The following is an entry in ClinVar:

ClinVar aggregate classification (germline): Uncertain significance (1 of 4 stars; one submission).

gnomAD v4.1: 1 of 1,614,196 alleles (0.000062%); highest among the groups gnomAD compares: Non-Finnish European, 0.000085%; no homozygotes.

Submission:

GeneDx
Classification: Uncertain significance. Last evaluated: 2024-05-17. Review status: criteria provided, single submitter. Criteria: GeneDx Variant Classification Process June 2021. Collection method: clinical testing. Allele origin: germline. Affected: yes.
Comment: Not observed at significant frequency in large population cohorts (gnomAD); In silico analysis indicates that this missense variant does not alter protein structure/function; Occurs in the triple helical domain at the Y position in the canonical Gly-X-Y repeat; although this variant may have an effect on normal protein folding and function, missense substitution at the Y position is not a common mechanism of disease; Has not been previously published as pathogenic or benign to our knowledge

NM_001845.6(COL4A1):c.586G>A (p.Val196Ile)

Gene: COL4A1 (collagen type IV alpha 1 chain; minus strand). Cytogenetic location: 13q34.
Variant type: single nucleotide variant.
Coding change: c.586G>A on transcript NM_001845.6 (MANE Select); coding-DNA position 586, G replaced by A.
Protein change: p.Val196Ile; replaces valine 196 with isoleucine.
Molecular consequence: missense variant.
Genome position (GRCh38, 1-based): chr13:110,210,009, C>T on the plus strand (G>A on the coding strand, the complement: COL4A1 is on the minus strand). VCF-style: chr13-110210009-C-T. GRCh37 (hg19) VCF-style: chr13-110862356-C-T.
Other names: c.586G>A, p.Val196Ile (NM_001303110.2); short protein forms V196I.
Identifiers: ClinVar variation 3377989 (VCV003377989.1).